The following is an entry in ClinVar:

NM_005535.3(IL12RB1):c.581-17G>A

Gene: IL12RB1 (interleukin 12 receptor subunit beta 1; minus strand). Cytogenetic location: 19p13.11.
Variant type: single nucleotide variant.
Coding change: c.581-17G>A on transcript NM_005535.3 (MANE Select); 17 bases into the intron before coding-DNA position 581, G replaced by A.
Molecular consequence: intron variant.
Genome position (GRCh38, 1-based): chr19:18,075,885, C>T on the plus strand (G>A on the coding strand, the complement: IL12RB1 is on the minus strand). VCF-style: chr19-18075885-C-T. GRCh37 (hg19) VCF-style: chr19-18186695-C-T.
Other names: c.701-17G>A (NM_001290024.2, NM_001440427.1, NM_001440426.1); c.581-17G>A (NM_001290023.2, NM_001440425.1, NM_001440424.1 and 1 more transcripts).
Identifiers: ClinVar variation 1031545 (VCV001031545.12), dbSNP rs370354493, ClinGen allele CA9305148.

ClinVar aggregate classification (germline): Conflicting classifications of pathogenicity. Review status: criteria provided, conflicting classifications (1 of 4 stars). 3 submissions from 3 submitters: Uncertain significance (1); Benign (1); Likely benign (1). Last evaluated 2025-12-30.

Conditions:
Mendelian susceptibility to mycobacterial diseases due to complete IL12RB1 deficiency. Also called: IL12RB1 DEFICIENCY; Immunodeficiency 30. Identifiers: Orphanet 319552, MedGen C4013949, MONDO:0013955, OMIM 614891.

Allele frequency attached by ClinVar (database versions not stated): gnomAD 0.00019 and 0.00020; ExAC 0.00027; gnomAD exomes 0.00034; ESP Exome Variant Server 0.00015; TOPMed 0.00016.
gnomAD v4.1: 269 of 1,612,072 alleles (0.017%); highest among the groups gnomAD compares: African/African-American, 0.008%; no homozygotes.

Submissions (3):

Labcorp Genetics (formerly Invitae), Labcorp
Classification: Benign for Mendelian susceptibility to mycobacterial diseases due to complete IL12RB1 deficiency. Last evaluated: 2025-12-30. Review status: criteria provided, single submitter. Criteria: Invitae Variant Classification Sherloc (09022015). Collection method: clinical testing. Allele origin: germline.

Blueprint Genetics
Classification: Likely benign. Last evaluated: 2024-10-16. Review status: criteria provided, single submitter. Criteria: ACMG Guidelines, 2015. Collection method: clinical testing. Allele origin: germline.

Baylor Genetics
Classification: Uncertain significance for Mendelian susceptibility to mycobacterial diseases due to complete IL12RB1 deficiency. Last evaluated: 2018-03-22. Review status: criteria provided, single submitter. Criteria: ACMG Guidelines, 2015. Collection method: clinical testing. Allele origin: maternal. Affected: yes.
Comment: This variant was determined to be of uncertain significance according to ACMG Guidelines, 2015 [PMID:25741868].